The following is an entry in ClinVar:

NM_002496.4(NDUFS8):c.220_372+130del

Gene: NDUFS8 (NADH:ubiquinone oxidoreductase core subunit S8; plus strand). Cytogenetic location: 11q13.2.
Variant type: Deletion.
Coding change: c.220_372+130del on transcript NM_002496.4 (MANE Select); coding-DNA position 220 through 130 bases into the intron after coding-DNA position 372, 283 bases deleted.
Molecular consequence: splice donor variant.
Genome position (GRCh38, 1-based): chr11:68,033,131-68,033,413, 283 bases deleted. GRCh37 (hg19): chr11:67,800,598-67,800,880.
Identifiers: ClinVar variation 3239612 (VCV003239612.19), dbSNP rs2495580894.

ClinVar aggregate classification (germline): Likely pathogenic (1 of 4 stars; one submission).

Submission:

CeGaT Center for Human Genetics Tuebingen
Classification: Likely pathogenic. Last evaluated: 2024-05-01. Review status: criteria provided, single submitter. Criteria: CeGaT Center For Human Genetics Tuebingen Variant Classification Criteria Version 2. Collection method: clinical testing. Allele origin: germline. Affected: yes. Observed: 1 variant allele.
Comment: NDUFS8: PM2, PM4, PP4:Moderate